The following is an entry in ClinVar:

NM_002291.3(LAMB1):c.484G>C (p.Val162Leu)

Gene: LAMB1 (laminin subunit beta 1; minus strand). Cytogenetic location: 7q31.1.
Variant type: single nucleotide variant.
Coding change: c.484G>C on transcript NM_002291.3 (MANE Select); coding-DNA position 484, G replaced by C.
Protein change: p.Val162Leu; replaces valine 162 with leucine.
Molecular consequence: missense variant.
Genome position (GRCh38, 1-based): chr7:107,986,303, C>G on the plus strand (G>C on the coding strand, the complement: LAMB1 is on the minus strand). VCF-style: chr7-107986303-C-G. GRCh37 (hg19) VCF-style: chr7-107626748-C-G.
Other names: short protein forms V162L.
Identifiers: ClinVar variation 3767711 (VCV003767711.2).
Genomic context (GRCh38, chr7:107,986,303, plus strand): 5'-TGGGGCCAGTTGAAATGCCTGGAAACGAGGCCTCACAGTCATAGGCGAAGTATCTATACA[C>G]ACCCCAGGTTTTCCCAAAGTCGGACGATCGTTCTATCAGCATAGCAGCTGGACGGAATGT-3'
Protein context (NP_002282.2, residues 152-172): RSSDFGKTWG[Val162Leu]YRYFAYDCEA

ClinVar aggregate classification (germline): Uncertain significance. Review status: criteria provided, multiple submitters, no conflicts (2 of 4 stars). 2 submissions from 2 submitters: Uncertain significance (2). Last evaluated 2025-06-28.

gnomAD v4.1: 11 of 1,612,976 alleles (0.00068%); highest among the groups gnomAD compares: African/African-American, 0.015%; no homozygotes.

Submissions (2):

Labcorp Genetics (formerly Invitae), Labcorp
Classification: Uncertain significance. Last evaluated: 2025-06-28. Review status: criteria provided, single submitter. Criteria: Invitae Variant Classification Sherloc (09022015). Collection method: clinical testing. Allele origin: germline.
Comment: This sequence change replaces valine, which is neutral and non-polar, with leucine, which is neutral and non-polar, at codon 162 of the LAMB1 protein (p.Val162Leu). This variant is present in population databases (no rsID available, gnomAD 0.007%). This variant has not been reported in the literature in individuals affected with LAMB1-related conditions. ClinVar contains an entry for this variant (Variation ID: 3767711). An algorithm developed to predict the effect of missense changes on protein structure and function (PolyPhen-2) suggests that this variant is likely to be tolerated. In summary, the available evidence is currently insufficient to determine the role of this variant in disease. Therefore, it has been classified as a Variant of Uncertain Significance.

GeneDx
Classification: Uncertain significance. Last evaluated: 2024-09-04. Review status: criteria provided, single submitter. Criteria: GeneDx Variant Classification Process June 2021. Collection method: clinical testing. Allele origin: germline. Affected: yes.
Comment: Not observed at significant frequency in large population cohorts (gnomAD); In silico analysis indicates that this missense variant does not alter protein structure/function; Has not been previously published as pathogenic or benign to our knowledge; This variant is associated with the following publications: (PMID: 23472759)